The following is an entry in ClinVar:

ClinVar aggregate classification (germline): Benign (1 of 4 stars; one submission).

Allele frequency attached by ClinVar (database versions not stated): gnomAD exomes 0.45621; gnomAD 0.45905 and 0.46700; TOPMed 0.46364; 1000 Genomes Project 30x 0.54013; 1000 Genomes Project 0.54393.
gnomAD v4.1: 561,030 of 1,225,884 alleles (46%); highest among the groups gnomAD compares: East Asian, 72%; 133,573 homozygotes.

Submission:

GeneDx
Classification: Benign. Last evaluated: 2018-06-14. Review status: criteria provided, single submitter. Criteria: GeneDx Variant Classification (06012015). Collection method: clinical testing. Allele origin: germline. Affected: yes.
Comment: This variant is considered likely benign or benign based on one or more of the following criteria: it is a conservative change, it occurs at a poorly conserved position in the protein, it is predicted to be benign by multiple in silico algorithms, and/or has population frequency not consistent with disease.

NM_182961.4(SYNE1):c.21351+116C>T

Gene: SYNE1 (spectrin repeat containing nuclear envelope protein 1; minus strand). Cytogenetic location: 6q25.2.
Variant type: single nucleotide variant.
Coding change: c.21351+116C>T on transcript NM_182961.4 (MANE Select); 116 bases into the intron after coding-DNA position 21351, C replaced by T.
Molecular consequence: intron variant.
Genome position (GRCh38, 1-based): chr6:152,225,605, G>A on the plus strand (C>T on the coding strand, the complement: SYNE1 is on the minus strand). VCF-style: chr6-152225605-G-A. GRCh37 (hg19) VCF-style: chr6-152546740-G-A.
Other names: c.21138+116C>T (NM_033071.5).
Identifiers: ClinVar variation 670200 (VCV000670200.1), dbSNP rs1998620, ClinGen allele CA12308847.
Genomic context (GRCh38, chr6:152,225,605, plus strand): 5'-CACCAGAAACTAGACTTTAAAAAAAAAAAAGAGGATAACGAAGTGGACTTAAAAGTACAA[G>A]GAGATAATGTATAGATTTGATTATTTCCTCTGCTACTTTAGGAAAACCAAAACCCAGAGT-3'